The following is an entry in ClinVar:

NM_033380.3(COL4A5):c.5045G>A (p.Ser1682Asn)

Gene: COL4A5 (collagen type IV alpha 5 chain; plus strand). Cytogenetic location: Xq22.3.
Variant type: single nucleotide variant.
Coding change: c.5045G>A on transcript NM_033380.3 (MANE Select); coding-DNA position 5045, G replaced by A.
Protein change: p.Ser1682Asn; replaces serine 1682 with asparagine.
Molecular consequence: missense variant.
Genome position (GRCh38, 1-based): chrX:108,696,347, G>A. VCF-style: chrX-108696347-G-A. GRCh37 (hg19) VCF-style: chrX-107939577-G-A.
Other names: c.5027G>A, p.Ser1676Asn (NM_000495.5); short protein forms S1682N, S1676N.
Identifiers: ClinVar variation 3636334 (VCV003636334.2).

ClinVar aggregate classification (germline): Uncertain significance (1 of 4 stars; one submission).

Submission:

Labcorp Genetics (formerly Invitae), Labcorp
Classification: Uncertain significance. Last evaluated: 2024-08-27. Review status: criteria provided, single submitter. Criteria: Invitae Variant Classification Sherloc (09022015). Collection method: clinical testing. Allele origin: germline.
Comment: This sequence change replaces serine, which is neutral and polar, with asparagine, which is neutral and polar, at codon 1676 of the COL4A5 protein (p.Ser1676Asn). This variant is not present in population databases (gnomAD no frequency). This missense change has been observed in individual(s) with chronic kidney disease (PMID: 36938085). Invitae Evidence Modeling of protein sequence and biophysical properties (such as structural, functional, and spatial information, amino acid conservation, physicochemical variation, residue mobility, and thermodynamic stability) has been performed for this missense variant. However, the output from this modeling did not meet the statistical confidence thresholds required to predict the impact of this variant on COL4A5 protein function. In summary, the available evidence is currently insufficient to determine the role of this variant in disease. Therefore, it has been classified as a Variant of Uncertain Significance.

Literature cited by the submitters: PubMed 36938085.